The following is an entry in ClinVar:

NM_003489.4(NRIP1):c.328G>A (p.Val110Ile)

Gene: NRIP1 (nuclear receptor interacting protein 1; minus strand). Cytogenetic location: 21q11.2.
Variant type: single nucleotide variant.
Coding change: c.328G>A on transcript NM_003489.4 (MANE Select); coding-DNA position 328, G replaced by A.
Protein change: p.Val110Ile; replaces valine 110 with isoleucine.
Molecular consequence: missense variant.
Genome position (GRCh38, 1-based): chr21:14,967,865, C>T on the plus strand (G>A on the coding strand, the complement: NRIP1 is on the minus strand). VCF-style: chr21-14967865-C-T. GRCh37 (hg19) VCF-style: chr21-16340186-C-T.
Other names: c.328G>A, p.Val110Ile (NM_001439275.1, NM_001439276.1, NM_001439277.1 and 10 more transcripts); short protein forms V110I.
Identifiers: ClinVar variation 4777725 (VCV004777725.1).

ClinVar aggregate classification (germline): Uncertain significance (1 of 4 stars; one submission).

gnomAD v4.1: 33 of 1,614,064 alleles (0.002%); highest among the groups gnomAD compares: Non-Finnish European, 0.0027%; no homozygotes.

Submission:

Labcorp Genetics (formerly Invitae), Labcorp
Classification: Uncertain significance. Last evaluated: 2025-03-07. Review status: criteria provided, single submitter. Criteria: Invitae Variant Classification Sherloc (09022015). Collection method: clinical testing. Allele origin: germline.
Comment: This sequence change replaces valine, which is neutral and non-polar, with isoleucine, which is neutral and non-polar, at codon 110 of the NRIP1 protein (p.Val110Ile). This variant is present in population databases (rs755926461, gnomAD 0.0009%). This variant has not been reported in the literature in individuals affected with NRIP1-related conditions. An algorithm developed to predict the effect of missense changes on protein structure and function (PolyPhen-2) suggests that this variant is likely to be disruptive. In summary, the available evidence is currently insufficient to determine the role of this variant in disease. Therefore, it has been classified as a Variant of Uncertain Significance.